The following is an entry in ClinVar:

ClinVar aggregate classification (germline): Uncertain significance. Review status: criteria provided, multiple submitters, no conflicts (2 of 4 stars). 2 submissions from 2 submitters: Uncertain significance (2). Last evaluated 2025-06-03.

Conditions:
Migraine, familial hemiplegic, 1. Also called: MIGRAINE, FAMILIAL HEMIPLEGIC 1, WITH PROGRESSIVE CEREBELLAR ATAXIA. Identifiers: Orphanet 569, MedGen C1832884, MONDO:0020756, OMIM 141500, MONDO:0007714.
Developmental and epileptic encephalopathy, 42 (DEE42A). Also called: DEVELOPMENTAL AND EPILEPTIC ENCEPHALOPATHY 42A; EPILEPTIC ENCEPHALOPATHY, EARLY INFANTILE, 42A; Epileptic encephalopathy, early infantile, 42. Identifiers: MedGen C4310716, MONDO:0014917, OMIM 617106.
Spinocerebellar ataxia type 6 (SCA6). Identifiers: Orphanet 98758, MedGen C0752124, MONDO:0008457, OMIM 183086.
Episodic ataxia type 2 (EA2). Also called: ATAXIA, EPISODIC, WITH NYSTAGMUS; ATAXIA, FAMILIAL PAROXYSMAL; CEREBELLAR ATAXIA, PAROXYSMAL, ACETAZOLAMIDE-RESPONSIVE; CEREBELLOPATHY, HEREDITARY PAROXYSMAL; EPISODIC ATAXIA, NYSTAGMUS-ASSOCIATED; ACETAZOLAMIDE-RESPONSIVE HEREDITARY PAROXYSMAL CEREBELLAR ATAXIA. Identifiers: Orphanet 97, MedGen C1720416, MONDO:0007163, OMIM 108500.

Submissions (2):

Institute of Immunology and Genetics Kaiserslautern
Classification: Uncertain significance for Developmental and epileptic encephalopathy, 42; Episodic ataxia type 2; Spinocerebellar ataxia type 6; Migraine, familial hemiplegic, 1. Last evaluated: 2025-06-03. Review status: criteria provided, single submitter. Criteria: ACMG Guidelines, 2015. Collection method: clinical testing. Allele origin: germline. Affected: yes.
Comment: ACMG Criteria: PM1, PM2_P, PP3; Variant was found in heterozygous state.

Blueprint Genetics
Classification: Uncertain significance. Last evaluated: 2021-07-16. Review status: criteria provided, single submitter. Criteria: ACMG Guidelines, 2015. Collection method: clinical testing. Allele origin: germline.

NM_001127222.2(CACNA1A):c.4087A>C (p.Lys1363Gln)

Gene: CACNA1A (calcium voltage-gated channel subunit alpha1 A; minus strand). Cytogenetic location: 19p13.13.
Variant type: single nucleotide variant.
Coding change: c.4087A>C on transcript NM_001127222.2 (MANE Select); coding-DNA position 4087, A replaced by C.
Protein change: p.Lys1363Gln; replaces lysine 1363 with glutamine.
Molecular consequence: missense variant.
Genome position (GRCh38, 1-based): chr19:13,262,736, T>G on the plus strand (A>C on the coding strand, the complement: CACNA1A is on the minus strand). VCF-style: chr19-13262736-T-G. GRCh37 (hg19) VCF-style: chr19-13373550-T-G.
Other names: c.4099A>C, p.Lys1367Gln (NM_000068.4, NM_023035.3); c.4090A>C, p.Lys1364Gln (NM_001127221.2, NM_001174080.2); short protein forms K1363Q, K1364Q, K1367Q.
Identifiers: ClinVar variation 4074727 (VCV004074727.2).